The following is an entry in ClinVar:

NM_032043.3(BRIP1):c.2228A>G (p.Tyr743Cys)

Gene: BRIP1 (BRCA1 interacting DNA helicase 1; minus strand). Cytogenetic location: 17q23.2.
Variant type: single nucleotide variant.
Coding change: c.2228A>G on transcript NM_032043.3 (MANE Select); coding-DNA position 2228, A replaced by G.
Protein change: p.Tyr743Cys; replaces tyrosine 743 with cysteine.
Molecular consequence: missense variant.
Genome position (GRCh38, 1-based): chr17:61,744,461, T>C on the plus strand (A>G on the coding strand, the complement: BRIP1 is on the minus strand). VCF-style: chr17-61744461-T-C. GRCh37 (hg19) VCF-style: chr17-59821822-T-C.
Other names: short protein forms Y743C.
Identifiers: ClinVar variation 1925377 (VCV001925377.6), dbSNP rs750033391, ClinGen allele CA8690570.

ClinVar aggregate classification (germline): Uncertain significance. Review status: criteria provided, multiple submitters, no conflicts (2 of 4 stars). 2 submissions from 2 submitters: Uncertain significance (2). Last evaluated 2024-11-04.

Conditions:
Familial cancer of breast. Also called: BREAST CANCER, FAMILIAL; hereditary breast carcinoma; Hereditary breast cancer. Identifiers: Orphanet 227535, MedGen C0346153, MONDO:0016419, OMIM 114480. Disease mechanism: loss of function.
Fanconi anemia complementation group J. Also called: BRIP1-Related Fanconi Anemia. Identifiers: Orphanet 84, MedGen C1836860, MONDO:0012187, OMIM 609054.

Allele frequency attached by ClinVar (database versions not stated): TOPMed below 0.00001; ExAC 0.00002.
gnomAD v4.1: 6 of 1,613,906 alleles (0.00037%); highest among the groups gnomAD compares: South Asian, 0.0033%; no homozygotes.

Submissions (2):

Labcorp Genetics (formerly Invitae), Labcorp
Classification: Uncertain significance for Familial cancer of breast; Fanconi anemia complementation group J. Last evaluated: 2024-11-04. Review status: criteria provided, single submitter. Criteria: Invitae Variant Classification Sherloc (09022015). Collection method: clinical testing. Allele origin: germline.
Comment: This sequence change replaces tyrosine, which is neutral and polar, with cysteine, which is neutral and slightly polar, at codon 743 of the BRIP1 protein (p.Tyr743Cys). This variant is present in population databases (rs750033391, gnomAD 0.006%). This variant has not been reported in the literature in individuals affected with BRIP1-related conditions. ClinVar contains an entry for this variant (Variation ID: 1925377). Invitae Evidence Modeling of protein sequence and biophysical properties (such as structural, functional, and spatial information, amino acid conservation, physicochemical variation, residue mobility, and thermodynamic stability) has been performed for this missense variant. However, the output from this modeling did not meet the statistical confidence thresholds required to predict the impact of this variant on BRIP1 protein function. In summary, the available evidence is currently insufficient to determine the role of this variant in disease. Therefore, it has been classified as a Variant of Uncertain Significance.

Baylor Genetics
Classification: Uncertain significance for Familial cancer of breast. Last evaluated: 2024-03-21. Review status: criteria provided, single submitter. Criteria: ACMG Guidelines, 2015. Collection method: clinical testing. Allele origin: unknown.